The following is an entry in ClinVar:

ClinVar aggregate classification (germline): Uncertain significance. Review status: criteria provided, multiple submitters, no conflicts (2 of 4 stars). 2 submissions from 2 submitters: Uncertain significance (2). Last evaluated 2025-09-02.

Allele frequency attached by ClinVar (database versions not stated): gnomAD 0.00001; TOPMed 0.00006.
gnomAD v4.1: 47 of 1,613,982 alleles (0.0029%); highest among the groups gnomAD compares: Admixed American, 0.017%; no homozygotes.

Submissions (2):

Labcorp Genetics (formerly Invitae), Labcorp
Classification: Uncertain significance. Last evaluated: 2025-09-02. Review status: criteria provided, single submitter. Criteria: Invitae Variant Classification Sherloc (09022015). Collection method: clinical testing. Allele origin: germline.
Comment: This sequence change replaces arginine, which is basic and polar, with histidine, which is basic and polar, at codon 37 of the DZIP1L protein (p.Arg37His). This variant is present in population databases (rs758730826, gnomAD 0.01%). This variant has not been reported in the literature in individuals affected with DZIP1L-related conditions. ClinVar contains an entry for this variant (Variation ID: 2080721). An algorithm developed to predict the effect of missense changes on protein structure and function (PolyPhen-2) suggests that this variant is likely to be disruptive. In summary, the available evidence is currently insufficient to determine the role of this variant in disease. Therefore, it has been classified as a Variant of Uncertain Significance.

Mayo Clinic Laboratories, Mayo Clinic
Classification: Uncertain significance. Last evaluated: 2023-07-06. Review status: criteria provided, single submitter. Criteria: ACMG Guidelines, 2015. Collection method: clinical testing. Allele origin: germline. Observed: 1 variant allele.

NM_173543.3(DZIP1L):c.110G>A (p.Arg37His)

Gene: DZIP1L (DAZ interacting zinc finger protein 1 like; minus strand). Cytogenetic location: 3q22.3.
Variant type: single nucleotide variant.
Coding change: c.110G>A on transcript NM_173543.3 (MANE Select); coding-DNA position 110, G replaced by A.
Protein change: p.Arg37His; replaces arginine 37 with histidine.
Molecular consequence: missense variant.
Genome position (GRCh38, 1-based): chr3:138,103,862, C>T on the plus strand (G>A on the coding strand, the complement: DZIP1L is on the minus strand). VCF-style: chr3-138103862-C-T. GRCh37 (hg19) VCF-style: chr3-137822704-C-T.
Other names: p.Arg37His; c.110G>A, p.Arg37His (NM_001170538.1); short protein forms R37H.
Identifiers: ClinVar variation 2080721 (VCV002080721.5), dbSNP rs758730826, ClinGen allele CA2635367.